The following is an entry in ClinVar:

NM_000038.6(APC):c.468C>A (p.Asp156Glu)

Gene: APC (APC regulator of Wnt signaling pathway; plus strand). Cytogenetic location: 5q22.2.
Variant type: single nucleotide variant.
Coding change: c.468C>A on transcript NM_000038.6 (MANE Select); coding-DNA position 468, C replaced by A.
Protein change: p.Asp156Glu; replaces aspartic acid 156 with glutamic acid.
Molecular consequence: missense variant. On other transcripts: 5 prime UTR variant (1).
Genome position (GRCh38, 1-based): chr5:112,775,674, C>A. VCF-style: chr5-112775674-C-A. GRCh37 (hg19) VCF-style: chr5-112111371-C-A.
Other names: c.468C>A, p.Asp156Glu (NM_001127510.3, NM_001354895.2, NM_001354896.2 and 2 more transcripts); c.498C>A, p.Asp166Glu (NM_001127511.3, NM_001354897.2, NM_001354902.2); c.393C>A, p.Asp131Glu (NM_001354898.2, NM_001354904.2); c.291C>A, p.Asp97Glu (NM_001354900.2, NM_001354901.2, NM_001354905.2); c.-568C>A (NM_001354906.2); short protein forms D131E, D97E, D166E, D156E.
Identifiers: ClinVar variation 1499759 (VCV001499759.6), dbSNP rs752627126, ClinGen allele CA16022345.

ClinVar aggregate classification (germline): Uncertain significance (1 of 4 stars; one submission).

Conditions:
Familial adenomatous polyposis 1 (FAP1). Also called: FAMILIAL ADENOMATOUS POLYPOSIS 1, ATTENUATED; POLYPOSIS, ADENOMATOUS INTESTINAL. Identifiers: MedGen C2713442, MONDO:0021056, OMIM 175100. Disease mechanism: loss of function.

Submission:

Labcorp Genetics (formerly Invitae), Labcorp
Classification: Uncertain significance for Familial adenomatous polyposis 1. Last evaluated: 2021-10-27. Review status: criteria provided, single submitter. Criteria: Invitae Variant Classification Sherloc (09022015). Collection method: clinical testing. Allele origin: germline.
Comment: This sequence change replaces aspartic acid, which is acidic and polar, with glutamic acid, which is acidic and polar, at codon 156 of the APC protein (p.Asp156Glu). This variant is not present in population databases (gnomAD no frequency). This variant has not been reported in the literature in individuals affected with APC-related conditions. Algorithms developed to predict the effect of missense changes on protein structure and function (SIFT, PolyPhen-2, Align-GVGD) all suggest that this variant is likely to be tolerated. In summary, the available evidence is currently insufficient to determine the role of this variant in disease. Therefore, it has been classified as a Variant of Uncertain Significance.